The following is an entry in ClinVar:

ClinVar aggregate classification (germline): Uncertain significance (1 of 4 stars; one submission).

Conditions:
Hereditary cancer-predisposing syndrome. Also called: Tumor predisposition; Hereditary Cancer Syndrome; Hereditary neoplastic syndrome; Neoplastic Syndromes, Hereditary. Identifiers: Orphanet 140162, MedGen C0027672, MeSH D009386, MONDO:0015356.

Submission:

Ambry Genetics
Classification: Uncertain significance for Hereditary cancer-predisposing syndrome. Last evaluated: 2023-06-26. Review status: criteria provided, single submitter. Criteria: Ambry Variant Classification Scheme 2023. Collection method: clinical testing. Allele origin: germline.
Comment: The p.E647D variant (also known as c.1941A>T), located in coding exon 12 of the ATM gene, results from an A to T substitution at nucleotide position 1941. The glutamic acid at codon 647 is replaced by aspartic acid, an amino acid with highly similar properties. This amino acid position is conserved. In addition, this alteration is predicted to be tolerated by in silico analysis. Since supporting evidence is limited at this time, the clinical significance of this alteration remains unclear.

NM_000051.4(ATM):c.1941A>T (p.Glu647Asp)

Gene: ATM (ATM serine/threonine kinase; plus strand). Cytogenetic location: 11q22.3.
Variant type: single nucleotide variant.
Coding change: c.1941A>T on transcript NM_000051.4 (MANE Select); coding-DNA position 1941, A replaced by T.
Protein change: p.Glu647Asp; replaces glutamic acid 647 with aspartic acid.
Molecular consequence: missense variant.
Genome position (GRCh38, 1-based): chr11:108,253,856, A>T. VCF-style: chr11-108253856-A-T. GRCh37 (hg19) VCF-style: chr11-108124583-A-T.
Other names: c.1941A>T, p.Glu647Asp (NM_001351834.2); short protein forms E647D.
Identifiers: ClinVar variation 2587767 (VCV002587767.2), dbSNP rs2080297000, ClinGen allele CA382536626.